The following is an entry in ClinVar:

ClinVar aggregate classification (germline): Likely pathogenic (1 of 4 stars; one submission).

Conditions:
Noonan syndrome 1 (NS1). Also called: FEMALE PSEUDO-TURNER SYNDROME; TURNER PHENOTYPE WITH NORMAL KARYOTYPE; PTPN11-Related Noonan Syndrome. Identifiers: Orphanet 648, MedGen C4551602, MONDO:0008104, OMIM 163950. Disease mechanism: gain of function.

Submission:

HudsonAlpha Institute for Biotechnology
Classification: Likely pathogenic for Noonan syndrome 1. Last evaluated: 2020-07-09. Review status: criteria provided, single submitter. Criteria: ACMG Guidelines, 2015. Collection method: research. Allele origin: maternal. Affected: yes. Observed: 1 variant allele. Study: CSER-SouthSeq.
Comment: ACMG codes:PM1; PM2; PP2; PP3

NM_002834.5(PTPN11):c.1409T>C (p.Ile470Thr)

Gene: PTPN11 (protein tyrosine phosphatase non-receptor type 11; plus strand). Cytogenetic location: 12q24.13.
Variant type: single nucleotide variant.
Coding change: c.1409T>C on transcript NM_002834.5 (MANE Select); coding-DNA position 1409, T replaced by C.
Protein change: p.Ile470Thr; replaces isoleucine 470 with threonine.
Molecular consequence: missense variant.
Genome position (GRCh38, 1-based): chr12:112,488,472, T>C. VCF-style: chr12-112488472-T-C. GRCh37 (hg19) VCF-style: chr12-112926276-T-C.
Other names: c.1421T>C, p.Ile474Thr (NM_001330437.2); c.1406T>C, p.Ile469Thr (NM_001374625.1); short protein forms I469T, I470T, I474T.
Identifiers: ClinVar variation 982417 (VCV000982417.1), dbSNP rs2038706856, ClinGen allele CA386778296.